The following is an entry in ClinVar:

NM_017612.5(ZCCHC8):c.203A>G (p.Gln68Arg)

Gene: ZCCHC8 (zinc finger CCHC-type containing 8; minus strand). Cytogenetic location: 12q24.31.
Variant type: single nucleotide variant.
Coding change: c.203A>G on transcript NM_017612.5 (MANE Select); coding-DNA position 203, A replaced by G.
Protein change: p.Gln68Arg; replaces glutamine 68 with arginine.
Molecular consequence: missense variant. On other transcripts: 5 prime UTR variant (2), intron variant (1).
Genome position (GRCh38, 1-based): chr12:122,498,866, T>C on the plus strand (A>G on the coding strand, the complement: ZCCHC8 is on the minus strand). VCF-style: chr12-122498866-T-C. GRCh37 (hg19) VCF-style: chr12-122983413-T-C.
Other names: c.203A>G, p.Gln68Arg (NM_001350935.2); c.-342A>G (NM_001350937.2); c.-236A>G (NM_001350938.2); c.-56+1107A>G (NM_001350936.2); c.203A>G (NM_017612.3); short protein forms Q68R.
Identifiers: ClinVar variation 1934243 (VCV001934243.6), dbSNP rs1957871471, ClinGen allele CA482210405.

ClinVar aggregate classification (germline): Uncertain significance. Review status: criteria provided, multiple submitters, no conflicts (2 of 4 stars). 2 submissions from 2 submitters: Uncertain significance (2). Last evaluated 2024-07-31.

Allele frequency attached by ClinVar (database versions not stated): gnomAD 0.00001.
gnomAD v4.1: 2 of 1,613,130 alleles (0.00012%); highest among the groups gnomAD compares: Non-Finnish European, 0.000085%; no homozygotes.

Submissions (2):

Ambry Genetics
Classification: Uncertain significance. Last evaluated: 2024-07-31. Review status: criteria provided, single submitter. Criteria: Ambry Variant Classification Scheme 2023. Collection method: clinical testing. Allele origin: germline.

Labcorp Genetics (formerly Invitae), Labcorp
Classification: Uncertain significance. Last evaluated: 2022-10-25. Review status: criteria provided, single submitter. Criteria: Invitae Variant Classification Sherloc (09022015). Collection method: clinical testing. Allele origin: germline.
Comment: This variant has not been reported in the literature in individuals affected with ZCCHC8-related conditions. In summary, the available evidence is currently insufficient to determine the role of this variant in disease. Therefore, it has been classified as a Variant of Uncertain Significance. Algorithms developed to predict the effect of missense changes on protein structure and function are either unavailable or do not agree on the potential impact of this missense change (SIFT: "Tolerated"; PolyPhen-2: "Not Available"; Align-GVGD: "Class C0"). This variant is not present in population databases (gnomAD no frequency). This sequence change replaces glutamine, which is neutral and polar, with arginine, which is basic and polar, at codon 68 of the ZCCHC8 protein (p.Gln68Arg).